The following is an entry in ClinVar:

NM_018303.6(EXOC2):c.1932+4A>C

Gene: EXOC2 (exocyst complex component 2; minus strand). Cytogenetic location: 6p25.3.
Variant type: single nucleotide variant.
Coding change: c.1932+4A>C on transcript NM_018303.6 (MANE Select); 4 bases into the intron after coding-DNA position 1932, A replaced by C.
Molecular consequence: intron variant.
Genome position (GRCh38, 1-based): chr6:556,480, T>G on the plus strand (A>C on the coding strand, the complement: EXOC2 is on the minus strand). VCF-style: chr6-556480-T-G. GRCh37 (hg19) VCF-style: chr6-556480-T-G.
Identifiers: ClinVar variation 3891319 (VCV003891319.1).
Genomic context (GRCh38, chr6:556,480, plus strand): 5'-TTTACAACTATGATTCCCAAGGCTCCCTGGGAAACTGGAGTCCAAGCGGAGCTGGAATAC[T>G]TACACTGGCCTCTCCCGGCTTGCACTCCAGAACCCCCTTCAGTGACTGCAGAGAACACAC-3'

ClinVar aggregate classification (germline): Uncertain significance (1 of 4 stars; one submission).

Conditions:
Neurodevelopmental disorder with dysmorphic facies and cerebellar hypoplasia. Identifiers: MedGen C5543332, MONDO:0859141, OMIM 619306.

Submission:

Kasturba Medical College, Manipal, Kasturba Medical College, Manipal, Manipal Academy of Higher Education, Manipal, India
Classification: Uncertain significance for Neurodevelopmental disorder with dysmorphic facies and cerebellar hypoplasia. Review status: criteria provided, single submitter. Criteria: ACMG Guidelines, 2015. Collection method: research. Allele origin: biparental. Inheritance: Autosomal recessive inheritance. Affected: yes. Observed: 1 homozygote.
Comment: This variant is not reported in heterozygous and/or homozygous state in our in-house exome database of 3479 individuals and in the gnomAD (v.4.1.0) population database. In silico tools such as SpliceAI has predicted the variant to cause aberrant splicing.